The following is an entry in ClinVar:

ClinVar aggregate classification (germline): Likely pathogenic (1 of 4 stars; one submission).

Conditions:
Beta-D-mannosidosis (MANSB). Also called: Beta-Mannosidosis; MANNOSIDOSIS, BETA A, LYSOSOMAL; BETA-MANNOSIDASE DEFICIENCY; LYSOSOMAL BETA-MANNOSIDASE DEFICIENCY. Identifiers: Orphanet 118, MedGen C4048196, MONDO:0009562, OMIM 248510.

Submission:

Labcorp Genetics (formerly Invitae), Labcorp
Classification: Likely pathogenic for Beta-D-mannosidosis. Last evaluated: 2023-08-31. Review status: criteria provided, single submitter. Criteria: Invitae Variant Classification Sherloc (09022015). Collection method: clinical testing. Allele origin: germline.
Comment: In summary, the currently available evidence indicates that the variant is pathogenic, but additional data are needed to prove that conclusively. Therefore, this variant has been classified as Likely Pathogenic. Algorithms developed to predict the effect of sequence changes on RNA splicing suggest that this variant may disrupt the consensus splice site. This variant has not been reported in the literature in individuals affected with MANBA-related conditions. This variant is not present in population databases (gnomAD no frequency). This sequence change affects a donor splice site in intron 3 of the MANBA gene. It is expected to disrupt RNA splicing. Variants that disrupt the donor or acceptor splice site typically lead to a loss of protein function (PMID: 16199547), and loss-of-function variants in MANBA are known to be pathogenic (PMID: 9384606, 12468273).

Literature cited by the submitters: PubMed 16199547; PubMed 9384606; PubMed 12468273.

NM_005908.4(MANBA):c.378+2T>C

Gene: MANBA (mannosidase beta; minus strand). Cytogenetic location: 4q24.
Variant type: single nucleotide variant.
Coding change: c.378+2T>C on transcript NM_005908.4 (MANE Select); the canonical splice donor site of the intron after coding-DNA position 378, T replaced by C.
Molecular consequence: splice donor variant.
Genome position (GRCh38, 1-based): chr4:102,723,860, A>G on the plus strand (T>C on the coding strand, the complement: MANBA is on the minus strand). VCF-style: chr4-102723860-A-G. GRCh37 (hg19) VCF-style: chr4-103645017-A-G.
Identifiers: ClinVar variation 2786966 (VCV002786966.3), dbSNP rs2476908784, ClinGen allele CA357958199.